The following is an entry in ClinVar:

NM_017841.4(SDHAF2):c.95G>A (p.Arg32Lys)

Gene: SDHAF2 (succinate dehydrogenase complex assembly factor 2; plus strand). Cytogenetic location: 11q12.2.
Variant type: single nucleotide variant.
Coding change: c.95G>A on transcript NM_017841.4 (MANE Select); coding-DNA position 95, G replaced by A.
Protein change: p.Arg32Lys; replaces arginine 32 with lysine.
Molecular consequence: missense variant.
Genome position (GRCh38, 1-based): chr11:61,437,683, G>A. VCF-style: chr11-61437683-G-A. GRCh37 (hg19) VCF-style: chr11-61205155-G-A.
Other names: short protein forms R32K.
Identifiers: ClinVar variation 2448523 (VCV002448523.4), dbSNP rs1277577700, ClinGen allele CA380683020.

ClinVar aggregate classification (germline): Uncertain significance. Review status: criteria provided, multiple submitters, no conflicts (2 of 4 stars). 2 submissions from 2 submitters: Uncertain significance (2). Last evaluated 2024-03-30.

Conditions:
Hereditary cancer-predisposing syndrome. Also called: Neoplastic Syndromes, Hereditary; Tumor predisposition; Hereditary Cancer Syndrome; Hereditary neoplastic syndrome. Identifiers: Orphanet 140162, MedGen C0027672, MeSH D009386, MONDO:0015356.
Hereditary pheochromocytoma and paraganglioma. Also called: Hereditary paragangliomas and pheochromocytomas; Hereditary Paraganglioma-Pheochromocytoma Syndromes; Hereditary pheochromocytoma-paraganglioma. Identifiers: Orphanet 29072, MedGen C4274332, MONDO:0017366.

Submissions (2):

Labcorp Genetics (formerly Invitae), Labcorp
Classification: Uncertain significance for Hereditary pheochromocytoma and paraganglioma. Last evaluated: 2024-03-30. Review status: criteria provided, single submitter. Criteria: Invitae Variant Classification Sherloc (09022015). Collection method: clinical testing. Allele origin: germline.
Comment: This sequence change replaces arginine, which is basic and polar, with lysine, which is basic and polar, at codon 32 of the SDHAF2 protein (p.Arg32Lys). This variant is present in population databases (no rsID available, gnomAD 0.01%). This variant has not been reported in the literature in individuals affected with SDHAF2-related conditions. ClinVar contains an entry for this variant (Variation ID: 2448523). Algorithms developed to predict the effect of missense changes on protein structure and function output the following: SIFT: "Not Available"; PolyPhen-2: "Benign"; Align-GVGD: "Not Available". The lysine amino acid residue is found in multiple mammalian species, which suggests that this missense change does not adversely affect protein function. In summary, the available evidence is currently insufficient to determine the role of this variant in disease. Therefore, it has been classified as a Variant of Uncertain Significance.

Ambry Genetics
Classification: Uncertain significance for Hereditary cancer-predisposing syndrome. Last evaluated: 2023-03-05. Review status: criteria provided, single submitter. Criteria: Ambry Variant Classification Scheme 2023. Collection method: clinical testing. Allele origin: germline.
Comment: The p.R32K variant (also known as c.95G>A), located in coding exon 2 of the SDHAF2 gene, results from a G to A substitution at nucleotide position 95. The arginine at codon 32 is replaced by lysine, an amino acid with highly similar properties. This amino acid position is conserved. In addition, this alteration is predicted to be tolerated by in silico analysis. Since supporting evidence is limited at this time, the clinical significance of this alteration remains unclear.